The following is an entry in ClinVar:

ClinVar aggregate classification (germline): Likely benign. Review status: criteria provided, single submitter (1 of 4 stars). 2 submissions from 2 submitters: Likely benign (1). 1 of the submissions does not count toward it. Last evaluated 2024-11-13.

Conditions:
TSHZ1-related disorder. Also called: TSHZ1-related condition.

Allele frequency attached by ClinVar (database versions not stated): gnomAD 0.00127 and 0.00173; ExAC 0.00131; 1000 Genomes Project 0.00140; gnomAD exomes 0.00148 and 0.00221; 1000 Genomes Project 30x 0.00156; ESP Exome Variant Server 0.00169; TOPMed 0.00189.
gnomAD v4.1: 3,466 of 1,613,886 alleles (0.21%); highest among the groups gnomAD compares: Middle Eastern, 0.26%; 6 homozygotes.

Submissions (4):

Blueprint Genetics
Classification: Likely benign. Last evaluated: 2024-11-13. Review status: criteria provided, single submitter. Criteria: ACMG Guidelines, 2015. Collection method: clinical testing. Allele origin: germline.

PreventionGenetics, part of Exact Sciences
Classification: Likely benign for TSHZ1-related condition. Last evaluated: 2019-10-07. Review status: no assertion criteria provided. Collection method: clinical testing. Allele origin: germline. Not counted in ClinVar's aggregate classification.
Comment: This variant is classified as likely benign based on ACMG/AMP sequence variant interpretation guidelines (Richards et al. 2015 PMID: 25741868, with internal and published modifications).

Dr. Peter K. Rogan Lab, Western University
No classification provided (evidence only). Condition: Lung cancer. Review status: no classification provided. Collection method: in vitro. Allele origin: not applicable. Functional consequence: retained intron. Not counted in ClinVar's aggregate classification.

Dr. Peter K. Rogan Lab, Western University
No classification provided (evidence only). Condition: Thyroid cancer, nonmedullary, 1. Review status: no classification provided. Collection method: in vitro. Allele origin: not applicable. Functional consequence: retained intron. Not counted in ClinVar's aggregate classification.

NM_001308210.2(TSHZ1):c.2726G>A (p.Arg909Gln)

Gene: TSHZ1 (teashirt zinc finger homeobox 1; plus strand). Cytogenetic location: 18q22.3.
Variant type: single nucleotide variant.
Coding change: c.2726G>A on transcript NM_001308210.2 (MANE Select); coding-DNA position 2726, G replaced by A.
Protein change: p.Arg909Gln; replaces arginine 909 with glutamine.
Molecular consequence: missense variant.
Genome position (GRCh38, 1-based): chr18:75,288,133, G>A. VCF-style: chr18-75288133-G-A. GRCh37 (hg19) VCF-style: chr18-73000088-G-A.
Other names: NC_000018.9:g.73000088G>A; c.2591G>A, p.Arg864Gln (NM_005786.6); short protein forms R864Q, R909Q.
Identifiers: ClinVar variation 3035455 (VCV003035455.4), dbSNP rs150180967, ClinGen allele CA9002353.
Genomic context (GRCh38, chr18:75,288,133, plus strand): 5'-AGTCCAACTGGAACCCGCAGCACCTTCTCATCCTGCAGGCCCAGTTCGCCTCGAGCTTGC[G>A]GGAGACCACAGAGGGCAAGTACATCATGTCGGACTTGGGCCCGCAGGAGAGGGTGCACAT-3'
Protein context (NP_001295139.1, residues 899-919): ILQAQFASSL[Arg909Gln]ETTEGKYIMS